The following is an entry in ClinVar:

NM_000441.2(SLC26A4):c.1390C>T (p.Gln464Ter)

Gene: SLC26A4 (solute carrier family 26 member 4; plus strand). Cytogenetic location: 7q22.3.
Variant type: single nucleotide variant.
Coding change: c.1390C>T on transcript NM_000441.2 (MANE Select); coding-DNA position 1390, C replaced by T.
Protein change: p.Gln464Ter; replaces glutamine 464 with a stop codon.
Molecular consequence: nonsense.
Genome position (GRCh38, 1-based): chr7:107,694,669, C>T. VCF-style: chr7-107694669-C-T. GRCh37 (hg19) VCF-style: chr7-107335114-C-T.
Other names: short protein forms Q464*.
Identifiers: ClinVar variation 3014222 (VCV003014222.3), dbSNP rs2535327444, ClinGen allele CA368840694.

ClinVar aggregate classification (germline): Pathogenic (1 of 4 stars; one submission).

Allele frequency attached by ClinVar (database versions not stated): gnomAD exomes below 0.00001.
gnomAD v4.1: 1 of 1,613,582 alleles (0.000062%); highest among the groups gnomAD compares: Admixed American, 0.0017%; no homozygotes.

Submission:

Labcorp Genetics (formerly Invitae), Labcorp
Classification: Pathogenic. Last evaluated: 2023-08-29. Review status: criteria provided, single submitter. Criteria: Invitae Variant Classification Sherloc (09022015). Collection method: clinical testing. Allele origin: germline.
Comment: For these reasons, this variant has been classified as Pathogenic. This variant has not been reported in the literature in individuals affected with SLC26A4-related conditions. This variant is not present in population databases (gnomAD no frequency). This sequence change creates a premature translational stop signal (p.Gln464*) in the SLC26A4 gene. It is expected to result in an absent or disrupted protein product. Loss-of-function variants in SLC26A4 are known to be pathogenic (PMID: 16283880, 25394566, 26252218, 26445815).

Literature cited by the submitters: PubMed 16283880; PubMed 25394566; PubMed 26252218; PubMed 26445815.